The following is an entry in ClinVar:

NC_000017.10:g.(?_56798097)_(56798183_?)del

Gene: RAD51C (RAD51 paralog C; plus strand). Cytogenetic location: 17q22.
Variant type: Deletion.
Identifiers: ClinVar variation 1459456 (VCV001459456.7).

ClinVar aggregate classification (germline): Pathogenic (1 of 4 stars; one submission).

Conditions:
Fanconi anemia complementation group O. Also called: RAD51C-Related Fanconi Anemia. Identifiers: Orphanet 84, MedGen C3150653, MONDO:0013248, OMIM 613390.

Submission:

Labcorp Genetics (formerly Invitae), Labcorp
Classification: Pathogenic for Fanconi anemia complementation group O. Last evaluated: 2022-10-12. Review status: criteria provided, single submitter. Criteria: Invitae Variant Classification Sherloc (09022015). Collection method: clinical testing. Allele origin: germline.
Comment: For these reasons, this variant has been classified as Pathogenic. This variant has not been reported in the literature in individuals affected with RAD51C-related conditions. This variant is a gross deletion of the genomic region encompassing exon(s) 6 of the RAD51C gene. This deletion is out-of-frame, and is expected to create a premature termination codon and result in an absent or disrupted protein product. Loss-of-function variants in RAD51C are known to be pathogenic (PMID: 20400964, 21990120, 24800917).

Literature cited by the submitters: PubMed 20400964; PubMed 21990120; PubMed 24800917.